The following is an entry in ClinVar:

ClinVar aggregate classification (germline): Uncertain significance (1 of 4 stars; one submission).

Submission:

Biesecker Lab/Clinical Genomics Section, National Institutes of Health
Classification: Uncertain significance. Last evaluated: 2013-06-24. Review status: criteria provided, single submitter. Criteria: Ng et al. (Circ Cardiovasc Genet. 2013). Collection method: research. Allele origin: unknown. Observed: 1 variant allele. Study: ClinSeq.
Comment: The study set was not selected for affection status in relation to any cancer. Pathogenicity categories were based on literature curation. See Pubmed ID:23861362 for details.

Medical sequencing

NM_001267550.2(TTN):c.63703A>C (p.Asn21235His)

Genes: TTN (titin; minus strand), TTN-AS1 (TTN antisense RNA 1; plus strand). Cytogenetic location: 2q31.2.
Variant type: single nucleotide variant.
Coding change: c.63703A>C on transcript NM_001267550.2 (MANE Select); coding-DNA position 63703, A replaced by C.
Protein change: p.Asn21235His; replaces asparagine 21235 with histidine.
Molecular consequence: missense variant.
Genome position (GRCh38, 1-based): chr2:178,587,606, T>G on the plus strand (A>C on the coding strand, the complement: TTN is on the minus strand). VCF-style: chr2-178587606-T-G. GRCh37 (hg19) VCF-style: chr2-179452333-T-G.
Other names: c.58780A>C, p.Asn19594His (NM_001256850.1); c.36508A>C, p.Asn12170His (NM_003319.4); c.55999A>C, p.Asn18667His (NM_133378.4); c.36883A>C, p.Asn12295His (NM_133432.3); c.37084A>C, p.Asn12362His (NM_133437.4); short protein forms N18667H, N21235H, N12170H, N12295H, N12362H, N19594H.
Identifiers: ClinVar variation 191924 (VCV000191924.1), dbSNP rs786205305, ClinGen allele CA237882.
Genomic context (GRCh38, chr2:178,587,606, plus strand): 5'-TTTCTCCTGCTGGGTTCACAAGTGTTAAGGAATATTTTCCTGAGTCATCACGGGTAGAAT[T>G]GGGGATGACAAGGAAGGCCATAGTGTCAACCAGATCAACTTGTCCTTTTCTGACCACATT-3'
Protein context (NP_001254479.2, residues 21225-21245): VDTMAFLVIP[Asn21235His]STRDDSGKYS